The following is an entry in ClinVar:

NM_007294.4(BRCA1):c.3758C>T (p.Ser1253Phe)

Genes: BRCA1 (BRCA1 DNA repair associated; minus strand), LOC126862571 (BRD4-independent group 4 enhancer GRCh37_chr17:41243136-41244335; plus strand). Cytogenetic location: 17q21.31.
Variant type: single nucleotide variant.
Coding change: c.3758C>T on transcript NM_007294.4 (MANE Select); coding-DNA position 3758, C replaced by T.
Protein change: p.Ser1253Phe; replaces serine 1253 with phenylalanine.
Molecular consequence: missense variant. On other transcripts: intron variant (135).
Genome position (GRCh38, 1-based): chr17:43,091,773, G>A on the plus strand (C>T on the coding strand, the complement: BRCA1 is on the minus strand). VCF-style: chr17-43091773-G-A. GRCh37 (hg19) VCF-style: chr17-41243790-G-A.
Other names: c.3758C>T, p.Ser1253Phe (NM_001407858.1, NM_001407859.1, NM_001407593.1 and 30 more transcripts); c.3755C>T, p.Ser1252Phe (NM_001407860.1, NM_001407861.1, NM_001407610.1 and 22 more transcripts); c.3557C>T, p.Ser1186Phe (NM_001407862.1); c.3635C>T, p.Ser1212Phe (NM_001407863.1, NM_001407648.1, NM_001407664.1 and 19 more transcripts); c.3548C>T, p.Ser1183Phe (NM_001407881.1, NM_001407879.1, NM_001407882.1 and 13 more transcripts); c.3554C>T, p.Ser1185Phe (NM_001407874.1, NM_001407875.1); c.3749C>T, p.Ser1250Phe (NM_001407646.1, NM_001407647.1); c.3632C>T, p.Ser1211Phe (NM_001407649.1, NM_001407670.1, NM_001407671.1 and 11 more transcripts); and 41 more; short protein forms S1085F, S1125F, S1126F, S1141F, S1142F, S1164F, S1165F, S1182F.
Identifiers: ClinVar variation 1718296 (VCV001718296.10), dbSNP rs397509100, ClinGen allele CA10594457.

ClinVar aggregate classification (germline): Conflicting classifications of pathogenicity. Review status: criteria provided, conflicting classifications (1 of 4 stars). 3 submissions from 3 submitters: Uncertain significance (2); Likely benign (1). Last evaluated 2024-02-22.

Conditions:
Hereditary cancer-predisposing syndrome. Also called: Hereditary neoplastic syndrome; Neoplastic Syndromes, Hereditary; Hereditary Cancer Syndrome; Tumor predisposition. Identifiers: Orphanet 140162, MedGen C0027672, MeSH D009386, MONDO:0015356.
Hereditary breast ovarian cancer syndrome. Also called: BRCA1- and BRCA2-Associated Hereditary Breast and Ovarian Cancer; Hereditary breast and ovarian cancer syndrome (HBOC); Hereditary breast and/or ovarian cancer syndrome; Hereditary breast and ovarian cancer syndrome; Hereditary breast and ovarian cancer; Breast and ovarian cancer. Identifiers: Orphanet 145, MedGen C0677776, MeSH D061325, MONDO:0003582. Disease mechanism: loss of function.

Submissions (3):

Ambry Genetics
Classification: Uncertain significance for Hereditary cancer-predisposing syndrome. Last evaluated: 2024-02-22. Review status: criteria provided, single submitter. Criteria: Ambry Variant Classification Scheme 2023. Collection method: clinical testing. Allele origin: germline.
Comment: The p.S1253F variant (also known as c.3758C>T), located in coding exon 9 of the BRCA1 gene, results from a C to T substitution at nucleotide position 3758. The serine at codon 1253 is replaced by phenylalanine, an amino acid with highly dissimilar properties. This amino acid position is not well conserved in available vertebrate species. In addition, the in silico prediction for this alteration is inconclusive. Based on the available evidence, the clinical significance of this alteration remains unclear.

University of Washington Department of Laboratory Medicine, University of Washington
Classification: Likely benign for Hereditary cancer-predisposing syndrome. Last evaluated: 2023-03-23. Review status: criteria provided, single submitter. Criteria: Dines et al. (Genet Med. 2020). Collection method: curation. Allele origin: germline.
Comment: Missense variant in a coldspot region where missense variants are very unlikely to be pathogenic (PMID:31911673).

BRCA1 coldspot (exon 11 using historical exon numbering). Reclassification based on statistical prior probability

Labcorp Genetics (formerly Invitae), Labcorp
Classification: Uncertain significance for Hereditary breast ovarian cancer syndrome. Last evaluated: 2022-08-29. Review status: criteria provided, single submitter. Criteria: Invitae Variant Classification Sherloc (09022015). Collection method: clinical testing. Allele origin: germline.
Comment: This sequence change replaces serine, which is neutral and polar, with phenylalanine, which is neutral and non-polar, at codon 1253 of the BRCA1 protein (p.Ser1253Phe). This variant is not present in population databases (gnomAD no frequency). This variant has not been reported in the literature in individuals affected with BRCA1-related conditions. Advanced modeling of protein sequence and biophysical properties (such as structural, functional, and spatial information, amino acid conservation, physicochemical variation, residue mobility, and thermodynamic stability) performed at Invitae indicates that this missense variant is not expected to disrupt BRCA1 protein function. In summary, the available evidence is currently insufficient to determine the role of this variant in disease. Therefore, it has been classified as a Variant of Uncertain Significance.